The following is an entry in ClinVar:

NM_002637.4(PHKA1):c.1727C>A (p.Thr576Lys)

Gene: PHKA1 (phosphorylase kinase regulatory subunit alpha 1; minus strand). Cytogenetic location: Xq13.1.
Variant type: single nucleotide variant.
Coding change: c.1727C>A on transcript NM_002637.4 (MANE Select); coding-DNA position 1727, C replaced by A.
Protein change: p.Thr576Lys; replaces threonine 576 with lysine.
Molecular consequence: missense variant.
Genome position (GRCh38, 1-based): chrX:72,627,037, G>T on the plus strand (C>A on the coding strand, the complement: PHKA1 is on the minus strand). VCF-style: chrX-72627037-G-T. GRCh37 (hg19) VCF-style: chrX-71846887-G-T.
Other names: c.1727C>A, p.Thr576Lys (NM_001122670.2, NM_001172436.2); short protein forms T576K.
Identifiers: ClinVar variation 513874 (VCV000513874.10), dbSNP rs1474761630, ClinGen allele CA413591838.

ClinVar aggregate classification (germline): Conflicting classifications of pathogenicity. Review status: criteria provided, conflicting classifications (1 of 4 stars). 4 submissions from 4 submitters: Uncertain significance (3); Likely benign (1). Last evaluated 2025-07-24.

Conditions:
PHKA1-related disorder. Also called: PHKA1-related condition.
Glycogen storage disease IXd (GSD9D). Also called: GSD IXd; Muscle Phosphorylase Kinase Deficiency. Identifiers: Orphanet 715, MedGen C1845151, MONDO:0010362, OMIM 300559.
Inborn genetic diseases. Identifiers: MedGen C0950123, MeSH D030342.

Allele frequency attached by ClinVar (database versions not stated): gnomAD exomes below 0.00001 and 0.00002; gnomAD 0.00008 and 0.00009; TOPMed 0.00025.
gnomAD v4.1: 16 of 1,201,394 alleles (0.0013%); highest among the groups gnomAD compares: Admixed American, 0.022%; no homozygotes.

Submissions (4):

PreventionGenetics, part of Exact Sciences
Classification: Uncertain significance for PHKA1-related condition. Last evaluated: 2025-07-24. Review status: criteria provided, single submitter. Criteria: ACMG Guidelines, 2015. Collection method: clinical testing. Allele origin: germline.
Comment: The PHKA1 c.1727C>A variant is predicted to result in the amino acid substitution p.Thr576Lys. To our knowledge, this variant has not been reported in the literature. This variant is reported in 0.0072% of alleles in individuals of East Asian descent in gnomAD. At this time, the clinical significance of this variant is uncertain due to the absence of conclusive functional and genetic evidence.

Labcorp Genetics (formerly Invitae), Labcorp
Classification: Uncertain significance for Glycogen storage disease IXd. Last evaluated: 2024-01-18. Review status: criteria provided, single submitter. Criteria: Invitae Variant Classification Sherloc (09022015). Collection method: clinical testing. Allele origin: germline.
Comment: This sequence change replaces threonine, which is neutral and polar, with lysine, which is basic and polar, at codon 576 of the PHKA1 protein (p.Thr576Lys). This variant is present in population databases (no rsID available, gnomAD 0.008%). This variant has not been reported in the literature in individuals affected with PHKA1-related conditions. ClinVar contains an entry for this variant (Variation ID: 513874). Advanced modeling of protein sequence and biophysical properties (such as structural, functional, and spatial information, amino acid conservation, physicochemical variation, residue mobility, and thermodynamic stability) performed at Invitae indicates that this missense variant is not expected to disrupt PHKA1 protein function with a negative predictive value of 80%. In summary, the available evidence is currently insufficient to determine the role of this variant in disease. Therefore, it has been classified as a Variant of Uncertain Significance.

Ambry Genetics
Classification: Uncertain significance for Inborn genetic diseases. Last evaluated: 2023-11-03. Review status: criteria provided, single submitter. Criteria: Ambry Variant Classification Scheme 2023. Collection method: clinical testing. Allele origin: germline.

GeneDx
Classification: Likely benign. Last evaluated: 2017-12-07. Review status: criteria provided, single submitter. Criteria: GeneDx Variant Classification (06012015). Collection method: clinical testing. Allele origin: germline. Affected: yes.
Comment: This variant is considered likely benign or benign based on one or more of the following criteria: it is a conservative change, it occurs at a poorly conserved position in the protein, it is predicted to be benign by multiple in silico algorithms, and/or has population frequency not consistent with disease.